The following is an entry in ClinVar:

ClinVar aggregate classification (germline): Likely pathogenic (1 of 4 stars; one submission).

Conditions:
CMIP-related neurodevelopmental disorder.

Submission:

New York Genome Center
Classification: Likely pathogenic for CMIP-related neurodevelopmental disorder. Last evaluated: 2023-07-24. Review status: criteria provided, single submitter. Criteria: NYGC Assertion Criteria 2020. Collection method: clinical testing. Allele origin: de novo. Affected: yes. Observed: 1 variant allele.
Comment: The de novo 16q23.2-23.3 deletion is absent from population databases (Database of Genomic Variation, gnomAD SVs) suggesting it is not a common benign variant in the populations represented in those databases. The deleted region contains CMIP gene which, although currently not an established disease gene, is predicted tobe haploinsufficient [pLI score = 1], and is categorized as a “strong candidate” for autism susceptibility in the SAFARI Gene database. Association studies are suggestive of a possible link between common variation in CMIP and specific language impairment and dyslexia [PMID:19646677, 21457949]. In DECIPHER, there are at least two patients with deletions involving CMIP: Patient 389984 with autistic behavior and developmental regression has ~803kb deletion of unknown inheritance, and Patient 262348 with frontal bossing and intellectual disability has 2.21Mb deletion of unknown inheritance. Two additional de novo deletions (a 517kb deletion and a 1.59Mb deletion) involving CMIP have been reported in two patients with hypotonia, autism spectrum disorder, ADHD, mildly delayed speech, pragmatic language disorder, failure to thrive, possible seizures and gastrointestinal issues [PMID:28504353]. Based on the available evidence, the ~4 Mb de novo deletion identified in this individual is reported here as Likely Pathogenic.

GRCh38/hg38 16q23.2-23.3(chr16:79568000-83552000)

Genes: ARLNC1 (androgen receptor regulated long noncoding RNA 1; minus strand), ATMIN (ATM interactor; plus strand), BCO1 (beta-carotene oxygenase 1; plus strand), C16orf46 (chromosome 16 open reading frame 46; minus strand), C16orf46-AS1 (C16orf46 antisense RNA 1; plus strand) and 161 more. Cytogenetic location: 16q23.2-23.3.
Variant type: copy number loss.
Identifiers: ClinVar variation 2665080 (VCV002665080.1).